The following is an entry in ClinVar:

ClinVar aggregate classification (germline): Pathogenic. Review status: criteria provided, single submitter (1 of 4 stars). 2 submissions from 2 submitters: Pathogenic (1). 1 of the submissions does not count toward it. Last evaluated 2025-09-08.

Conditions:
Loeys-Dietz syndrome 4 (LDS4). Also called: ANEURYSM, AORTIC AND CEREBRAL, WITH ARTERIAL TORTUOSITY AND SKELETAL MANIFESTATIONS; TGFB2-Related Loeys-Dietz Syndrome. Identifiers: MedGen C3553762, MONDO:0013897, OMIM 614816.

Submissions (2):

Labcorp Genetics (formerly Invitae), Labcorp
Classification: Pathogenic for Loeys-Dietz syndrome 4. Last evaluated: 2025-09-08. Review status: criteria provided, single submitter. Criteria: Invitae Variant Classification Sherloc (09022015). Collection method: clinical testing. Allele origin: germline.
Comment: This sequence change creates a premature translational stop signal (p.Cys229*) in the TGFB2 gene. It is expected to result in an absent or disrupted protein product. Loss-of-function variants in TGFB2 are known to be pathogenic (PMID: 22772368, 22772371, 30739908). This variant is not present in population databases (gnomAD no frequency). This premature translational stop signal has been observed in individual(s) with thoracic aortic aneurysm and dissection (PMID: 22772371). It has also been observed to segregate with disease in related individuals. ClinVar contains an entry for this variant (Variation ID: 37088). For these reasons, this variant has been classified as Pathogenic.

OMIM
Classification: Pathogenic for LOEYS-DIETZ SYNDROME 4. Last evaluated: 2012-07-08. Review status: no assertion criteria provided. Collection method: literature only. Allele origin: germline. Not counted in ClinVar's aggregate classification.

Literature cited by the submitters: PubMed 22772368 (cited by Labcorp Genetics (formerly Invitae), Labcorp); PubMed 22772371 (cited by Labcorp Genetics (formerly Invitae), Labcorp and OMIM); PubMed 30739908 (cited by Labcorp Genetics (formerly Invitae), Labcorp).

NM_003238.6(TGFB2):c.687C>A (p.Cys229Ter)

Gene: TGFB2 (transforming growth factor beta 2; plus strand). Cytogenetic location: 1q41.
Variant type: single nucleotide variant.
Coding change: c.687C>A on transcript NM_003238.6 (MANE Select); coding-DNA position 687, C replaced by A.
Protein change: p.Cys229Ter; replaces cysteine 229 with a stop codon.
Molecular consequence: nonsense. On other transcripts: non-coding transcript variant (2).
Genome position (GRCh38, 1-based): chr1:218,434,381, C>A. VCF-style: chr1-218434381-C-A. GRCh37 (hg19) VCF-style: chr1-218607723-C-A.
Other names: c.771C>A, p.Cys257Ter (NM_001135599.4); short protein forms C229*, C257*.
Identifiers: ClinVar variation 37088 (VCV000037088.2), dbSNP rs398122885, ClinGen allele CA281904.